The following is an entry in ClinVar:

ClinVar aggregate classification (germline): Uncertain significance. Review status: criteria provided, single submitter (1 of 4 stars). 2 submissions from 2 submitters: Uncertain significance (1). 1 of the submissions does not count toward it. Last evaluated 2025-07-01.

Conditions:
Intellectual developmental disorder, autosomal recessive 34, with variant lissencephaly. Also called: Intellectual disability, autosomal recessive 34. Identifiers: Orphanet 88616, MedGen C3281044, MONDO:0013785, OMIM 614499.

Allele frequency attached by ClinVar (database versions not stated): ExAC 0.00002; gnomAD 0.00004; gnomAD exomes 0.00001 and 0.00002; TOPMed 0.00003; ESP Exome Variant Server 0.00008.
gnomAD v4.1: 40 of 1,613,740 alleles (0.0025%); highest among the groups gnomAD compares: Non-Finnish European, 0.0032%; no homozygotes.

Submissions (2):

Women's Health and Genetics/Laboratory Corporation of America, LabCorp
Classification: Uncertain significance. Last evaluated: 2025-07-01. Review status: criteria provided, single submitter. Criteria: LabCorp Variant Classification Summary - May 2015. Collection method: clinical testing. Allele origin: germline.
Comment: Variant summary: CRADD c.491T>G (p.Phe164Cys) results in a non-conservative amino acid change in the encoded protein sequence. Algorithms developed to predict the effect of missense changes on protein structure and function all suggest that this variant is likely to be disruptive. The variant allele was found at a frequency of 1.2e-05 in 251018 control chromosomes. The available data on variant occurrences in the general population are insufficient to allow any conclusion about variant significance. c.491T>G has been observed in individual(s) affected with Lissencephaly (Di Donato_2016). These data do not allow any conclusion about variant significance. At least one publication reports experimental evidence that this variant has reduced caspase 2 activation compared to WT (Ha_2018, Di Donato_2016). The following publications have been ascertained in the context of this evaluation (PMID: 27773430, 30281648). ClinVar contains an entry for this variant (Variation ID: 372192). Based on the evidence outlined above, the variant was classified as uncertain significance.

OMIM
Classification: Pathogenic for INTELLECTUAL DEVELOPMENTAL DISORDER, AUTOSOMAL RECESSIVE 34, WITH VARIANT LISSENCEPHALY. Last evaluated: 2021-12-11. Review status: no assertion criteria provided. Collection method: literature only. Allele origin: germline. Not counted in ClinVar's aggregate classification.

Literature cited by the submitters: PubMed 27773430 (cited by Women's Health and Genetics/Laboratory Corporation of America, LabCorp and OMIM); PubMed 30281648 (cited by Women's Health and Genetics/Laboratory Corporation of America, LabCorp).

NM_003805.5(CRADD):c.491T>G (p.Phe164Cys)

Gene: CRADD (CARD and death domain containing adaptor protein; plus strand). Cytogenetic location: 12q22.
Variant type: single nucleotide variant.
Coding change: c.491T>G on transcript NM_003805.5 (MANE Select); coding-DNA position 491, T replaced by G.
Protein change: p.Phe164Cys; replaces phenylalanine 164 with cysteine.
Molecular consequence: missense variant. On other transcripts: intron variant (1).
Genome position (GRCh38, 1-based): chr12:93,850,162, T>G. VCF-style: chr12-93850162-T-G. GRCh37 (hg19) VCF-style: chr12-94243938-T-G.
Other names: CRADD, PHE164CYS (rs370916968); c.491T>G, p.Phe164Cys (NM_001320099.2); c.299-43888T>G (NM_001320100.2); short protein forms F164C.
Identifiers: ClinVar variation 372192 (VCV000372192.4), dbSNP rs370916968, ClinGen allele CA6720238.